The following is an entry in ClinVar:

NM_015100.4(POGZ):c.3952_3963del (p.Leu1318_Arg1321del)

Gene: POGZ (pogo transposable element derived with ZNF domain; minus strand). Cytogenetic location: 1q21.3.
Variant type: Deletion.
Coding change: c.3952_3963del on transcript NM_015100.4 (MANE Select); coding-DNA positions 3952 to 3963, 12 bases deleted (CTAGTTCAGCGC).
Protein change: p.Leu1318_Arg1321del.
Genome position (GRCh38, 1-based): chr1:151,405,072-151,405,083, GCGCTGAACTAG deleted on the plus strand (CTAGTTCAGCGC on the coding strand, the reverse complement: POGZ is on the minus strand). VCF-style (leftmost placement, unchanged base first): chr1-151405071-AGCGCTGAACTAG-A. GRCh37 (hg19) VCF-style: chr1-151377547-AGCGCTGAACTAG-A.
Other names: c.3925_3936del, p.Leu1309_Arg1312del (NM_001194937.2); c.3766_3777del, p.Leu1256_Arg1259del (NM_001194938.2); c.3973_3984del, p.Leu1325_Arg1328del (NM_001410860.1); c.3667_3678del, p.Leu1223_Arg1226del (NM_145796.4); c.3793_3804del, p.Leu1265_Arg1268del (NM_207171.2).
Identifiers: ClinVar variation 3906579 (VCV003906579.1).

ClinVar aggregate classification (germline): Uncertain significance (1 of 4 stars; one submission).

Submission:

GeneDx
Classification: Uncertain significance. Last evaluated: 2024-12-19. Review status: criteria provided, single submitter. Criteria: GeneDx Variant Classification Process June 2021. Collection method: clinical testing. Allele origin: germline. Affected: yes.
Comment: Not observed at significant frequency in large population cohorts (gnomAD); In-frame deletion of 4 amino acid(s) in a non-repeat region; In silico analysis supports a deleterious effect on protein structure/function; Has not been previously published as pathogenic or benign to our knowledge